The following is an entry in ClinVar:

ClinVar aggregate classification (germline): Benign/Likely benign. Review status: criteria provided, multiple submitters, no conflicts (2 of 4 stars). 4 submissions from 4 submitters: Benign (1); Likely benign (3). Last evaluated 2025-10-09.

Conditions:
Hereditary cancer-predisposing syndrome. Also called: Hereditary Cancer Syndrome; Neoplastic Syndromes, Hereditary; Tumor predisposition; Hereditary neoplastic syndrome. Identifiers: Orphanet 140162, MedGen C0027672, MeSH D009386, MONDO:0015356.
Fanconi anemia complementation group J. Also called: BRIP1-Related Fanconi Anemia. Identifiers: Orphanet 84, MedGen C1836860, MONDO:0012187, OMIM 609054.
Familial cancer of breast. Also called: Hereditary breast cancer; hereditary breast carcinoma; BREAST CANCER, FAMILIAL. Identifiers: Orphanet 227535, MedGen C0346153, MONDO:0016419, OMIM 114480. Disease mechanism: loss of function.

Allele frequency attached by ClinVar (database versions not stated): gnomAD exomes 0.00002; TOPMed 0.00002; ExAC 0.00005; gnomAD 0.00001.
gnomAD v4.1: 12 of 1,612,250 alleles (0.00074%); highest among the groups gnomAD compares: Non-Finnish European, 0.00093%; no homozygotes.

Submissions (4):

Labcorp Genetics (formerly Invitae), Labcorp
Classification: Likely benign for Familial cancer of breast; Fanconi anemia complementation group J. Last evaluated: 2025-10-09. Review status: criteria provided, single submitter. Criteria: Invitae Variant Classification Sherloc (09022015). Collection method: clinical testing. Allele origin: germline.

Myriad Genetics, Inc.
Classification: Benign for Familial cancer of breast. Last evaluated: 2024-09-05. Review status: criteria provided, single submitter. Criteria: Myriad Autosomal Dominant, Autosomal Recessive and X-Linked Classification Criteria (2023). Collection method: clinical testing. Allele origin: unknown.
Comment: This variant is considered benign. This variant is a silent/synonymous amino acid change and it is not expected to impact splicing.

Color Diagnostics, LLC DBA Color Health
Classification: Likely benign for Hereditary cancer-predisposing syndrome. Last evaluated: 2017-09-26. Review status: criteria provided, single submitter. Criteria: ACMG Guidelines, 2015. Collection method: clinical testing. Allele origin: germline.

Ambry Genetics
Classification: Likely benign for Hereditary cancer-predisposing syndrome. Last evaluated: 2015-01-30. Review status: criteria provided, single submitter. Criteria: Ambry Variant Classification Scheme 2023. Collection method: clinical testing. Allele origin: germline.

NM_032043.3(BRIP1):c.2505C>T (p.His835=)

Gene: BRIP1 (BRCA1 interacting DNA helicase 1; minus strand). Cytogenetic location: 17q23.2.
Variant type: single nucleotide variant.
Coding change: c.2505C>T on transcript NM_032043.3 (MANE Select); coding-DNA position 2505, C replaced by T.
Protein change: p.His835=; no amino-acid change (histidine 835 retained).
Molecular consequence: synonymous variant.
Genome position (GRCh38, 1-based): chr17:61,693,500, G>A on the plus strand (C>T on the coding strand, the complement: BRIP1 is on the minus strand). VCF-style: chr17-61693500-G-A. GRCh37 (hg19) VCF-style: chr17-59770861-G-A.
Identifiers: ClinVar variation 230289 (VCV000230289.19), dbSNP rs775547651, ClinGen allele CA8690492.